The following is an entry in ClinVar:

ClinVar aggregate classification (germline): Uncertain significance. Review status: criteria provided, multiple submitters, no conflicts (2 of 4 stars). 3 submissions from 3 submitters: Uncertain significance (3). Last evaluated 2025-08-14.

Conditions:
Inborn genetic diseases. Identifiers: MedGen C0950123, MeSH D030342.

Allele frequency attached by ClinVar (database versions not stated): gnomAD 0.00001; gnomAD exomes 0.00001; TOPMed 0.00001; ExAC 0.00002.
gnomAD v4.1: 12 of 1,614,126 alleles (0.00074%); highest among the groups gnomAD compares: Non-Finnish European, 0.001%; no homozygotes.

Submissions (3):

Ambry Genetics
Classification: Uncertain significance for Inborn genetic diseases. Last evaluated: 2025-08-14. Review status: criteria provided, single submitter. Criteria: Ambry Variant Classification Scheme 2023. Collection method: clinical testing. Allele origin: germline.

Women's Health and Genetics/Laboratory Corporation of America, LabCorp
Classification: Uncertain significance. Last evaluated: 2024-02-28. Review status: criteria provided, single submitter. Criteria: LabCorp Variant Classification Summary - May 2015. Collection method: clinical testing. Allele origin: germline.
Comment: Variant summary: SIN3A c.2683T>C (p.Phe895Leu) results in a non-conservative amino acid change located in the Sin3, C-terminal domain (IPR031693) of the encoded protein sequence. Four of five in-silico tools predict a damaging effect of the variant on protein function. The variant allele was found at a frequency of 8e-06 in 251360 control chromosomes. The available data on variant occurrences in the general population are insufficient to allow any conclusion about variant significance. To our knowledge, no occurrence of c.2683T>C in individuals affected with SIN3A-Related Intellectual Disability Syndrome and no experimental evidence demonstrating its impact on protein function have been reported. No submitters have cited clinical-significance assessments for this variant to ClinVar. Based on the evidence outlined above, the variant was classified as uncertain significance.

Labcorp Genetics (formerly Invitae), Labcorp
Classification: Uncertain significance. Last evaluated: 2023-05-23. Review status: criteria provided, single submitter. Criteria: Invitae Variant Classification Sherloc (09022015). Collection method: clinical testing. Allele origin: germline.
Comment: This sequence change replaces phenylalanine, which is neutral and non-polar, with leucine, which is neutral and non-polar, at codon 895 of the SIN3A protein (p.Phe895Leu). This variant is present in population databases (rs767997621, gnomAD 0.002%). This variant has not been reported in the literature in individuals affected with SIN3A-related conditions. Advanced modeling of protein sequence and biophysical properties (such as structural, functional, and spatial information, amino acid conservation, physicochemical variation, residue mobility, and thermodynamic stability) performed at Invitae indicates that this missense variant is not expected to disrupt SIN3A protein function. In summary, the available evidence is currently insufficient to determine the role of this variant in disease. Therefore, it has been classified as a Variant of Uncertain Significance.

NM_001145358.2(SIN3A):c.2683T>C (p.Phe895Leu)

Gene: SIN3A (SIN3 transcription regulator family member A; minus strand). Cytogenetic location: 15q24.2.
Variant type: single nucleotide variant.
Coding change: c.2683T>C on transcript NM_001145358.2 (MANE Select); coding-DNA position 2683, T replaced by C.
Protein change: p.Phe895Leu; replaces phenylalanine 895 with leucine.
Molecular consequence: missense variant.
Genome position (GRCh38, 1-based): chr15:75,392,410, A>G on the plus strand (T>C on the coding strand, the complement: SIN3A is on the minus strand). VCF-style: chr15-75392410-A-G. GRCh37 (hg19) VCF-style: chr15-75684751-A-G.
Other names: c.2683T>C, p.Phe895Leu (NM_001145357.2, NM_015477.3); c.2683T>C (NM_001145358.1); short protein forms F895L.
Identifiers: ClinVar variation 3010998 (VCV003010998.6), dbSNP rs767997621, ClinGen allele CA7667423.